The following is an entry in ClinVar:

NM_001130009.3(GEN1):c.1278G>A (p.Met426Ile)

Gene: GEN1 (GEN1 structure-specific endonuclease; plus strand). Cytogenetic location: 2p24.2.
Variant type: single nucleotide variant.
Coding change: c.1278G>A on transcript NM_001130009.3 (MANE Select); coding-DNA position 1278, G replaced by A.
Protein change: p.Met426Ile; replaces methionine 426 with isoleucine.
Molecular consequence: missense variant.
Genome position (GRCh38, 1-based): chr2:17,779,991, G>A. VCF-style: chr2-17779991-G-A. GRCh37 (hg19) VCF-style: chr2-17961258-G-A.
Other names: c.1278G>A, p.Met426Ile (NM_182625.5); short protein forms M426I.
Identifiers: ClinVar variation 4844968 (VCV004844968.1).
Genomic context (GRCh38, chr2:17,779,991, plus strand): 5'-TTTAAATGCCTAATTAAGGACACTTTGCTGTATTTTTAATCTTTTAGAACATTATGCTAT[G>A]GAAGATAAACAACATGGAGAATTTGCTTTATTAACAATTGAGGAAGAATCATTGTTTGAA-3'
Protein context (NP_001123481.3, residues 416-436): IEWEKPEHYA[Met426Ile]EDKQHGEFAL

ClinVar aggregate classification (germline): Uncertain significance (1 of 4 stars; one submission).

Submission:

Ambry Genetics
Classification: Uncertain significance. Last evaluated: 2026-01-22. Review status: criteria provided, single submitter. Criteria: Ambry Variant Classification Scheme 2023. Collection method: clinical testing. Allele origin: germline.
Comment: The p.M426I variant (also known as c.1278G>A), located in coding exon 12 of the GEN1 gene, results from a G to A substitution at nucleotide position 1278. The methionine at codon 426 is replaced by isoleucine, an amino acid with highly similar properties. This amino acid position is conserved. In addition, this alteration is predicted to be tolerated by in silico analysis. Based on the available evidence, the clinical significance of this variant remains unclear.